The following is an entry in ClinVar:

NM_000135.4(FANCA):c.1336C>T (p.Leu446=)

Gene: FANCA (FA complementation group A; minus strand). Cytogenetic location: 16q24.3.
Variant type: single nucleotide variant.
Coding change: c.1336C>T on transcript NM_000135.4 (MANE Select); coding-DNA position 1336, C replaced by T.
Protein change: p.Leu446=; no amino-acid change (leucine 446 retained).
Molecular consequence: synonymous variant.
Genome position (GRCh38, 1-based): chr16:89,791,426, G>A on the plus strand (C>T on the coding strand, the complement: FANCA is on the minus strand). VCF-style: chr16-89791426-G-A. GRCh37 (hg19) VCF-style: chr16-89857834-G-A.
Other names: c.1336C>T (NM_000135.3); c.1336C>T, p.Leu446= (NM_001286167.3).
Identifiers: ClinVar variation 2991139 (VCV002991139.4), dbSNP rs762365764, ClinGen allele CA8252401.

ClinVar aggregate classification (germline): Conflicting classifications of pathogenicity. Review status: criteria provided, conflicting classifications (1 of 4 stars). 2 submissions from 2 submitters: Uncertain significance (1); Likely benign (1). Last evaluated 2025-10-29.

Conditions:
Fanconi anemia (FA). Also called: Fanconi's anemia. Identifiers: Orphanet 84, MedGen C0015625, MeSH D005199, MONDO:0019391.

Allele frequency attached by ClinVar (database versions not stated): ExAC 0.00001; gnomAD 0.00001; TOPMed 0.00001.
gnomAD v4.1: 1 of 1,613,978 alleles (0.000062%); highest among the groups gnomAD compares: African/African-American, 0.0013%; no homozygotes.

Submissions (2):

Quest Diagnostics Nichols Institute San Juan Capistrano
Classification: Uncertain significance. Last evaluated: 2025-10-29. Review status: criteria provided, single submitter. Criteria: Quest Diagnostics criteria. Collection method: clinical testing. Allele origin: unknown.
Comment: The FANCA c.1336C>T (p.Leu446=) synonymous variant has not been reported in individuals with FANCA-related conditions in the published literature. The frequency of this variant in the general population (Genome Aggregation Database) is uninformative in the assessment of its pathogenicity. Analysis of this variant using software algorithms for the prediction of the effect of nucleotide changes on splicing yielded predictions that this variant does not affect FANCA mRNA splicing. Based on the available information, we are unable to determine the clinical significance of this variant.

Labcorp Genetics (formerly Invitae), Labcorp
Classification: Likely benign for Fanconi anemia. Last evaluated: 2024-02-14. Review status: criteria provided, single submitter. Criteria: Invitae Variant Classification Sherloc (09022015). Collection method: clinical testing. Allele origin: germline.